The following is an entry in ClinVar:

NM_001267550.2(TTN):c.13720G>T (p.Glu4574Ter)

Gene: TTN (titin; minus strand). Cytogenetic location: 2q31.2.
Variant type: single nucleotide variant.
Coding change: c.13720G>T on transcript NM_001267550.2 (MANE Select); coding-DNA position 13720, G replaced by T.
Protein change: p.Glu4574Ter; replaces glutamic acid 4574 with a stop codon.
Molecular consequence: nonsense. On other transcripts: intron variant (1).
Genome position (GRCh38, 1-based): chr2:178,739,513, C>A on the plus strand (G>T on the coding strand, the complement: TTN is on the minus strand). VCF-style: chr2-178739513-C-A. GRCh37 (hg19) VCF-style: chr2-179604240-C-A.
Other names: c.12769G>T, p.Glu4257Ter (NM_001256850.1); c.12631G>T, p.Glu4211Ter (NM_003319.4); c.13006G>T, p.Glu4336Ter (NM_133432.3); c.13207G>T, p.Glu4403Ter (NM_133437.4); c.10361-1153G>T (NM_133378.4); short protein forms E4336*, E4574*, E4211*, E4257*, E4403*.
Identifiers: ClinVar variation 1433903 (VCV001433903.7), dbSNP rs2154317609, ClinGen allele CA349606758.

ClinVar aggregate classification (germline): Likely pathogenic. Review status: criteria provided, multiple submitters, no conflicts (2 of 4 stars). 2 submissions from 2 submitters: Likely pathogenic (2). Last evaluated 2025-10-27.

Conditions:
Dilated cardiomyopathy 1G (CMD1G). Identifiers: Orphanet 154, MedGen C1858763, MONDO:0011400, OMIM 604145.
Autosomal recessive limb-girdle muscular dystrophy type 2J (LGMDR10). Also called: MUSCULAR DYSTROPHY, LIMB-GIRDLE, AUTOSOMAL RECESSIVE 10; Limb-girdle muscular dystrophy, type 2J. Identifiers: Orphanet 140922, MedGen C1837342, MONDO:0012127, OMIM 608807.
Cardiovascular phenotype. Identifiers: MedGen CN230736.

Submissions (2):

Labcorp Genetics (formerly Invitae), Labcorp
Classification: Likely pathogenic for Dilated cardiomyopathy 1G; Autosomal recessive limb-girdle muscular dystrophy type 2J. Last evaluated: 2025-10-27. Review status: criteria provided, single submitter. Criteria: Invitae Variant Classification Sherloc (09022015). Collection method: clinical testing. Allele origin: germline.
Comment: This sequence change creates a premature translational stop signal (p.Glu4574*) in the TTN gene. While this is not anticipated to result in nonsense mediated decay, it is expected to create a truncated TTN protein. This variant is not present in population databases (gnomAD no frequency). This variant has not been reported in the literature in individuals affected with TTN-related conditions. ClinVar contains an entry for this variant (Variation ID: 1433903). This variant is located in the I band of TTN (PMID: 25589632). Truncating variants in this region have been reported in individuals affected with autosomal recessive centronuclear myopathy (PMID: 23975875, internal data). Truncating variants in this region have also been identified in individuals affected with autosomal dominant dilated cardiomyopathy and/or cardio-related conditions (PMID: 27869827, 32964742, internal data). In summary, the currently available evidence indicates that the variant is pathogenic, but additional data are needed to prove that conclusively. Therefore, this variant has been classified as Likely Pathogenic.

Ambry Genetics
Classification: Likely pathogenic for Cardiovascular phenotype. Last evaluated: 2025-05-10. Review status: criteria provided, single submitter. Criteria: Ambry Variant Classification Scheme 2023. Collection method: clinical testing. Allele origin: germline.
Comment: The p.E4211* variant (also known as c.12631G>T), located in coding exon 44 of the TTN gene, results from a G to T substitution at nucleotide position 12631. This changes the amino acid from a glutamic acid to a stop codon within coding exon 44. This exon is located in the I-band region of the N2-B isoform of the titin protein and is constitutively expressed in TTN transcripts (percent spliced in or PSI 100%). This variant was reported in individual(s) with features consistent with dilated cardiomyopathy (Ambry internal data). This variant is considered to be rare based on population cohorts in the Genome Aggregation Database (gnomAD). This variant is expected to result in loss of function by premature protein truncation or nonsense-mediated mRNA decay. While truncating variants in TTN are present in 1-3% of the general population, truncating variants in the A-band are the most common cause of dilated cardiomyopathy (Herman DS et al. N. Engl. J. Med., 2012 Feb;366:619-28; Roberts AM et al. Sci Transl Med, 2015 Jan;7:270ra6). TTN truncating variants encoded in constitutive exons (PSI >90%) have been found to be significantly associated with DCM regardless of their position in titin (Schafer S et al. Nat. Genet., 2017 01;49:46-53; Akhtar MM et al. Circ Heart Fail, 2020 Oct;13:e006832; Massier M et al. Clin Genet, 2025 Jan). Based on the majority of available evidence to date, this variant is likely to be pathogenic.

Literature cited by the submitters: PubMed 25589632 (cited by Labcorp Genetics (formerly Invitae), Labcorp); PubMed 23975875 (cited by Labcorp Genetics (formerly Invitae), Labcorp); PubMed 27869827 (cited by Labcorp Genetics (formerly Invitae), Labcorp); PubMed 32964742 (cited by Labcorp Genetics (formerly Invitae), Labcorp).